The following is an entry in ClinVar:

NM_002485.5(NBN):c.1472A>G (p.Glu491Gly)

Gene: NBN (nibrin; minus strand). Cytogenetic location: 8q21.3.
Variant type: single nucleotide variant.
Coding change: c.1472A>G on transcript NM_002485.5 (MANE Select); coding-DNA position 1472, A replaced by G.
Protein change: p.Glu491Gly; replaces glutamic acid 491 with glycine.
Molecular consequence: missense variant.
Genome position (GRCh38, 1-based): chr8:89,953,617, T>C on the plus strand (A>G on the coding strand, the complement: NBN is on the minus strand). VCF-style: chr8-89953617-T-C. GRCh37 (hg19) VCF-style: chr8-90965845-T-C.
Other names: c.1226A>G, p.Glu409Gly (NM_001024688.3); short protein forms E409G, E491G.
Identifiers: ClinVar variation 1358453 (VCV001358453.8), dbSNP rs2129702971, ClinGen allele CA371655784.
Genomic context (GRCh38, chr8:89,953,617, plus strand): 5'-TTCTCAGATAGATGCTGCTCCTTATTTTTCCACAATGAGGGTGTAGCAGGTTGTGTTTGT[T>C]CTAAAAGAGAACAAGACGTTTCTATTCTTGCTGATTTGCATGAAGACATTTCTTGATTTT-3'
Protein context (NP_002476.2, residues 481-501): ARIETSCSLL[Glu491Gly]QTQPATPSLW

ClinVar aggregate classification (germline): Uncertain significance (1 of 4 stars; one submission).

Conditions:
Microcephaly, normal intelligence and immunodeficiency (NBS). Also called: IMMUNODEFICIENCY, MICROCEPHALY, AND CHROMOSOMAL INSTABILITY; Immunodeficiency, microcephaly with normal intelligence; SEEMANOVA SYNDROME II; Ataxia telangiectasia variant V1; Microcephaly with normal intelligence immunodeficiency and lymphoreticular malignancies; Nonsyndromal microcephaly autosomal recessive with normal intelligence. Identifiers: Orphanet 647, MedGen C0398791, MONDO:0009623, OMIM 251260.

Submission:

Labcorp Genetics (formerly Invitae), Labcorp
Classification: Uncertain significance for Microcephaly, normal intelligence and immunodeficiency. Last evaluated: 2021-06-02. Review status: criteria provided, single submitter. Criteria: Invitae Variant Classification Sherloc (09022015). Collection method: clinical testing. Allele origin: germline.
Comment: This variant is not present in population databases (ExAC no frequency). This variant has not been reported in the literature in individuals with NBN-related conditions. Algorithms developed to predict the effect of missense changes on protein structure and function are either unavailable or do not agree on the potential impact of this missense change (SIFT: "Deleterious"; PolyPhen-2: "Benign"; Align-GVGD: "Class C0"). In summary, the available evidence is currently insufficient to determine the role of this variant in disease. Therefore, it has been classified as a Variant of Uncertain Significance. This sequence change replaces glutamic acid with glycine at codon 491 of the NBN protein (p.Glu491Gly). The glutamic acid residue is moderately conserved and there is a moderate physicochemical difference between glutamic acid and glycine.